The following is an entry in ClinVar:

NM_003482.4(KMT2D):c.6603T>G (p.Ser2201Arg)

Gene: KMT2D (lysine methyltransferase 2D; minus strand). Cytogenetic location: 12q13.12.
Variant type: single nucleotide variant.
Coding change: c.6603T>G on transcript NM_003482.4 (MANE Select); coding-DNA position 6603, T replaced by G.
Protein change: p.Ser2201Arg; replaces serine 2201 with arginine.
Molecular consequence: missense variant.
Genome position (GRCh38, 1-based): chr12:49,041,167, A>C on the plus strand (T>G on the coding strand, the complement: KMT2D is on the minus strand). VCF-style: chr12-49041167-A-C. GRCh37 (hg19) VCF-style: chr12-49434950-A-C.
Other names: short protein forms S2201R.
Identifiers: ClinVar variation 2692591 (VCV002692591.4), dbSNP rs1943505728, ClinGen allele CA384750332.

ClinVar aggregate classification (germline): Uncertain significance. Review status: criteria provided, multiple submitters, no conflicts (2 of 4 stars). 2 submissions from 2 submitters: Uncertain significance (2). Last evaluated 2024-06-07.

Conditions:
Kabuki syndrome 1 (KABUK1). Also called: KMT2D-Related Kabuki Syndrome. Identifiers: Orphanet 2322, MedGen CN030661, MONDO:0007843, OMIM 147920.
Choanal atresia-athelia-hypothyroidism-delayed puberty-short stature syndrome (BCAHH). Also called: BRANCHIAL ARCH ABNORMALITIES, CHOANAL ATRESIA, ATHELIA, HEARING LOSS, AND HYPOTHYROIDISM SYNDROME. Identifiers: Orphanet 589856, MedGen C5680310, MONDO:0035651, OMIM 620186.
Kabuki syndrome. Also called: Kabuki make-up syndrome; NIIKAWA-KUROKI SYNDROME. Identifiers: Orphanet 2322, MedGen C0796004, MONDO:0016512.

Allele frequency attached by ClinVar (database versions not stated): gnomAD exomes below 0.00001; TOPMed below 0.00001.
gnomAD v4.1: 1 of 1,520,748 alleles (0.000066%); highest among the groups gnomAD compares: Non-Finnish European, 0.000088%; no homozygotes.

Submissions (2):

Fulgent Genetics
Classification: Uncertain significance for Kabuki syndrome 1; Choanal atresia-athelia-hypothyroidism-delayed puberty-short stature syndrome. Last evaluated: 2024-06-07. Review status: criteria provided, single submitter. Criteria: ACMG Guidelines, 2015. Collection method: clinical testing. Allele origin: germline.

Labcorp Genetics (formerly Invitae), Labcorp
Classification: Uncertain significance for Kabuki syndrome. Last evaluated: 2024-02-14. Review status: criteria provided, single submitter. Criteria: Invitae Variant Classification Sherloc (09022015). Collection method: clinical testing. Allele origin: germline.
Comment: This sequence change replaces serine, which is neutral and polar, with arginine, which is basic and polar, at codon 2201 of the KMT2D protein (p.Ser2201Arg). This variant is not present in population databases (gnomAD no frequency). This variant has not been reported in the literature in individuals affected with KMT2D-related conditions. Advanced modeling of protein sequence and biophysical properties (such as structural, functional, and spatial information, amino acid conservation, physicochemical variation, residue mobility, and thermodynamic stability) performed at Invitae indicates that this missense variant is not expected to disrupt KMT2D protein function with a negative predictive value of 95%. In summary, the available evidence is currently insufficient to determine the role of this variant in disease. Therefore, it has been classified as a Variant of Uncertain Significance.